The following is an entry in ClinVar:

NM_016169.4(SUFU):c.60G>T (p.Pro20=)

Genes: SUFU (SUFU negative regulator of hedgehog signaling; plus strand), LOC130004614 (ATAC-STARR-seq lymphoblastoid silent region 2764; plus strand). Cytogenetic location: 10q24.32.
Variant type: single nucleotide variant.
Coding change: c.60G>T on transcript NM_016169.4 (MANE Select); coding-DNA position 60, G replaced by T.
Protein change: p.Pro20=; no amino-acid change (proline 20 retained).
Molecular consequence: synonymous variant.
Genome position (GRCh38, 1-based): chr10:102,504,212, G>T. VCF-style: chr10-102504212-G-T. GRCh37 (hg19) VCF-style: chr10-104263969-G-T.
Other names: c.60G>T, p.Pro20= (NM_001178133.2).
Identifiers: ClinVar variation 726335 (VCV000726335.20), dbSNP rs1589969926, ClinGen allele CA471304819.

ClinVar aggregate classification (germline): Likely benign. Review status: criteria provided, multiple submitters, no conflicts (2 of 4 stars). 3 submissions from 3 submitters: Likely benign (3). Last evaluated 2025-08-01.

Conditions:
Medulloblastoma (MDB). Also called: Medulloblastoma, somatic; MEDULLOBLASTOMA PREDISPOSITION SYNDROME. Identifiers: Orphanet 616, MedGen C0025149, MeSH D008527, MONDO:0007959, OMIM 155255, HP:0002885.
Gorlin syndrome. Also called: Nevoid Basal Cell Carcinoma Syndrome; Basal cell nevus syndrome. Identifiers: Orphanet 377, MedGen C0004779, MONDO:0007187.
Hereditary cancer-predisposing syndrome. Also called: Hereditary Cancer Syndrome; Neoplastic Syndromes, Hereditary; Hereditary neoplastic syndrome; Tumor predisposition. Identifiers: Orphanet 140162, MedGen C0027672, MeSH D009386, MONDO:0015356.

Submissions (3):

CeGaT Center for Human Genetics Tuebingen
Classification: Likely benign. Last evaluated: 2025-08-01. Review status: criteria provided, single submitter. Criteria: CeGaT Center For Human Genetics Tuebingen Variant Classification Criteria Version 2. Collection method: clinical testing. Allele origin: germline. Affected: yes. Observed: 1 variant allele.
Comment: SUFU: PM2:Supporting, BP4, BP7

Labcorp Genetics (formerly Invitae), Labcorp
Classification: Likely benign for Gorlin syndrome; Medulloblastoma. Last evaluated: 2023-06-24. Review status: criteria provided, single submitter. Criteria: Invitae Variant Classification Sherloc (09022015). Collection method: clinical testing. Allele origin: germline.

Ambry Genetics
Classification: Likely benign for Hereditary cancer-predisposing syndrome. Last evaluated: 2021-10-21. Review status: criteria provided, single submitter. Criteria: Ambry Variant Classification Scheme 2023. Collection method: clinical testing. Allele origin: germline.